The following is an entry in ClinVar:

NM_001042492.3(NF1):c.15del (p.Arg5fs)

Genes: MIR4733HG (MIR4733 host gene; minus strand), NF1 (neurofibromin 1; plus strand), LOC111811965 (NF1 (neurofibromin 1) promoter region; plus strand). Cytogenetic location: 17q11.2.
Variant type: Deletion.
Coding change: c.15del on transcript NM_001042492.3 (MANE Select); coding-DNA position 15, one base deleted (G; older notation c.15delG).
Protein change: p.Arg5fs; shifts the reading frame from arginine 5.
Molecular consequence: frameshift variant. On other transcripts: non-coding transcript variant (1).
Genome position (GRCh38, 1-based): chr17:31,095,324, G deleted; the last of 2 consecutive G bases (chr17:31,095,323-31,095,324); deleting either gives the same sequence. VCF-style (leftmost placement, unchanged base first): chr17-31095322-AG-A. GRCh37 (hg19) VCF-style: chr17-29422340-AG-A.
Other names: c.15delG, p.Arg5Serfs (NM_000267.4); c.15del, p.Arg5fs (NM_001128147.3); short protein forms R5fs.
Identifiers: ClinVar variation 369956 (VCV000369956.7), dbSNP rs1057516197, ClinGen allele CA10654925.

ClinVar aggregate classification (germline): Pathogenic. Review status: criteria provided, single submitter (1 of 4 stars). 2 submissions from 2 submitters: Pathogenic (1). 1 of the submissions does not count toward it. Last evaluated 2020-01-15.

Conditions:
Neurofibromatosis, type 1 (NF1). Also called: NEUROFIBROMATOSIS, TYPE I, SOMATIC; VON RECKLINGHAUSEN DISEASE; Peripheral type neurofibromatosis; Neurofibromatosis, type I. Identifiers: Orphanet 636, MedGen C0027831, MONDO:0018975, OMIM 162200. Disease mechanism: loss of function.

Submissions (2):

Labcorp Genetics (formerly Invitae), Labcorp
Classification: Pathogenic for Neurofibromatosis, type 1. Last evaluated: 2020-01-15. Review status: criteria provided, single submitter. Criteria: Invitae Variant Classification Sherloc (09022015). Collection method: clinical testing. Allele origin: germline.
Comment: For these reasons, this variant has been classified as Pathogenic. Loss-of-function variants in NF1 are known to be pathogenic (PMID: 10712197, 23913538). This variant has not been reported in the literature in individuals with NF1-related conditions. ClinVar contains an entry for this variant (Variation ID: 369956). The frequency data for this variant in the population databases is considered unreliable, as metrics indicate insufficient coverage at this position in the ExAC database. This sequence change creates a premature translational stop signal (p.Arg5Serfs*19) in the NF1 gene. It is expected to result in an absent or disrupted protein product.

Bioscientia Institut fuer Medizinische Diagnostik GmbH, Sonic Healthcare
Classification: Likely pathogenic for Neurofibromatosis, type 1. Review status: no assertion criteria provided. Collection method: clinical testing. Allele origin: germline. Affected: yes. Not counted in ClinVar's aggregate classification.

Literature cited by the submitters: PubMed 10712197 (cited by Labcorp Genetics (formerly Invitae), Labcorp); PubMed 23913538 (cited by Labcorp Genetics (formerly Invitae), Labcorp).